The following is an entry in ClinVar:

ClinVar aggregate classification (germline): Uncertain significance (1 of 4 stars; one submission).

Submission:

Labcorp Genetics (formerly Invitae), Labcorp
Classification: Uncertain significance. Last evaluated: 2022-10-17. Review status: criteria provided, single submitter. Criteria: Invitae Variant Classification Sherloc (09022015). Collection method: clinical testing. Allele origin: germline.
Comment: ClinVar contains an entry for this variant (Variation ID: 1510631). This sequence change replaces histidine, which is basic and polar, with leucine, which is neutral and non-polar, at codon 354 of the WNT1 protein (p.His354Leu). This variant is not present in population databases (gnomAD no frequency). This variant has not been reported in the literature in individuals affected with WNT1-related conditions. Advanced modeling of protein sequence and biophysical properties (such as structural, functional, and spatial information, amino acid conservation, physicochemical variation, residue mobility, and thermodynamic stability) performed at Invitae indicates that this missense variant is not expected to disrupt WNT1 protein function. In summary, the available evidence is currently insufficient to determine the role of this variant in disease. Therefore, it has been classified as a Variant of Uncertain Significance.

NM_005430.4(WNT1):c.1061A>T (p.His354Leu)

Gene: WNT1 (Wnt family member 1; plus strand). Cytogenetic location: 12q13.12.
Variant type: single nucleotide variant.
Coding change: c.1061A>T on transcript NM_005430.4 (MANE Select); coding-DNA position 1061, A replaced by T.
Protein change: p.His354Leu; replaces histidine 354 with leucine.
Molecular consequence: missense variant.
Genome position (GRCh38, 1-based): chr12:48,981,588, A>T. VCF-style: chr12-48981588-A-T. GRCh37 (hg19) VCF-style: chr12-49375371-A-T.
Other names: short protein forms H354L.
Identifiers: ClinVar variation 1510631 (VCV001510631.8), dbSNP rs1941015881, ClinGen allele CA384639050.